The following is an entry in ClinVar:

ClinVar aggregate classification (germline): Uncertain significance (1 of 4 stars; one submission).

Conditions:
Autosomal recessive limb-girdle muscular dystrophy type 2J (LGMDR10). Also called: Limb-girdle muscular dystrophy, type 2J; MUSCULAR DYSTROPHY, LIMB-GIRDLE, AUTOSOMAL RECESSIVE 10. Identifiers: Orphanet 140922, MedGen C1837342, MONDO:0012127, OMIM 608807.
Dilated cardiomyopathy 1G (CMD1G). Identifiers: Orphanet 154, MedGen C1858763, MONDO:0011400, OMIM 604145.

Submission:

Labcorp Genetics (formerly Invitae), Labcorp
Classification: Uncertain significance for Dilated cardiomyopathy 1G; Autosomal recessive limb-girdle muscular dystrophy type 2J. Last evaluated: 2017-04-28. Review status: criteria provided, single submitter. Criteria: Invitae Variant Classification Sherloc (09022015). Collection method: clinical testing. Allele origin: germline.
Comment: This sequence change replaces glutamic acid with valine at codon 34470 of the TTN protein (p.Glu34470Val). Conservation data for this residue is not available, and there is a moderate physicochemical difference between glutamic acid and valine. This variant is not present in population databases (ExAC no frequency) and has not been reported in the literature in individuals with a TTN-related disease. This variant identified in the TTN gene is located in the M band of the resulting protein (PMID: 25589632). It is unclear how this variant impacts the function of this protein. Experimental studies and protein prediction algorithms are not available for this variant, and the functional significance of this missense change is currently unknown. Algorithms developed to predict the effect of sequence changes on RNA splicing suggest that this variant may alter RNA splicing, but this prediction has not been confirmed by published transcriptional studies. In summary, this variant is a novel missense change with uncertain impact on RNA splicing and protein function. It has been classified as a Variant of Uncertain Significance.

NM_001267550.2(TTN):c.103409A>T (p.Glu34470Val)

Genes: TTN-AS1 (TTN antisense RNA 1; plus strand), TTN (titin; minus strand). Cytogenetic location: 2q31.2.
Variant type: single nucleotide variant.
Coding change: c.103409A>T on transcript NM_001267550.2 (MANE Select); coding-DNA position 103409, A replaced by T.
Protein change: p.Glu34470Val; replaces glutamic acid 34470 with valine.
Molecular consequence: missense variant.
Genome position (GRCh38, 1-based): chr2:178,533,206, T>A on the plus strand (A>T on the coding strand, the complement: TTN is on the minus strand). VCF-style: chr2-178533206-T-A. GRCh37 (hg19) VCF-style: chr2-179397933-T-A.
Other names: c.98486A>T, p.Glu32829Val (NM_001256850.1); c.76214A>T, p.Glu25405Val (NM_003319.4); c.95705A>T, p.Glu31902Val (NM_133378.4); c.76589A>T, p.Glu25530Val (NM_133432.3); c.76790A>T, p.Glu25597Val (NM_133437.4); short protein forms E34470V, E25597V, E31902V, E25405V, E32829V, E25530V.
Identifiers: ClinVar variation 466712 (VCV000466712.1), dbSNP rs1553491559, ClinGen allele CA349414333.